The following is an entry in ClinVar:

NM_001374828.1(ARID1B):c.266G>A (p.Gly89Asp)

Genes: ARID1B (AT-rich interaction domain 1B; plus strand), LOC115308161 (uncharacterized LOC115308161; minus strand), LOC129997523 (ATAC-STARR-seq lymphoblastoid silent region 17710; plus strand). Cytogenetic location: 6q25.3.
Variant type: single nucleotide variant.
Coding change: c.266G>A on transcript NM_001374828.1 (MANE Select); coding-DNA position 266, G replaced by A.
Protein change: p.Gly89Asp; replaces glycine 89 with aspartic acid.
Molecular consequence: missense variant.
Genome position (GRCh38, 1-based): chr6:156,777,946, G>A. VCF-style: chr6-156777946-G-A. GRCh37 (hg19) VCF-style: chr6-157099080-G-A.
Other names: c.17G>A, p.Gly6Asp (NM_020732.3); c.266G>A, p.Gly89Asp (NM_001371656.1, NM_001374820.1, NM_017519.3); short protein forms G6D, G89D.
Identifiers: ClinVar variation 374256 (VCV000374256.3), dbSNP rs1057518648, ClinGen allele CA16043663.

ClinVar aggregate classification (germline): Likely pathogenic. Review status: criteria provided, single submitter (1 of 4 stars). 2 submissions from 1 submitter: Likely pathogenic (1). 1 of the submissions does not count toward it. Last evaluated 2021-06-10.

Conditions:
ARID1B-related BAFopathy.
Coffin-Siris syndrome 1 (CSS1). Also called: ARID1B-Related Coffin-Siris Syndrome; Mental retardation, autosomal dominant 12. Identifiers: Orphanet 1465, MedGen C3281201, MONDO:0007617, OMIM 135900. Disease mechanism: gain of function.

Submissions (2):

Baylor Genetics
Classification: Likely pathogenic for ARID1B-related BAFopathy. Last evaluated: 2021-06-10. Review status: criteria provided, single submitter. Criteria: ACMG Guidelines, 2015. Collection method: clinical testing. Allele origin: de novo. Affected: yes.

Baylor Genetics
Classification: Likely pathogenic for Coffin-Siris syndrome 1. Last evaluated: 2015-03-26. Review status: no assertion criteria provided. Collection method: clinical testing. Allele origin: de novo. Inheritance: Autosomal dominant inheritance. Affected: yes. Observed: 1 variant allele, 1 heterozygote. Not counted in ClinVar's aggregate classification.